The following is an entry in ClinVar:

NM_001252024.2(TRPM1):c.3395C>G (p.Pro1132Arg)

Genes: TRPM1 (transient receptor potential cation channel subfamily M member 1; minus strand), TRPM1-AS1 (TRPM1 antisense RNA 1; plus strand), LOC126862088 (BRD4-independent group 4 enhancer GRCh37_chr15:31318084-31319283; plus strand). Cytogenetic location: 15q13.3.
Variant type: single nucleotide variant.
Coding change: c.3395C>G on transcript NM_001252024.2 (MANE Select); coding-DNA position 3395, C replaced by G.
Protein change: p.Pro1132Arg; replaces proline 1132 with arginine.
Molecular consequence: missense variant.
Genome position (GRCh38, 1-based): chr15:31,027,016, G>C on the plus strand (C>G on the coding strand, the complement: TRPM1 is on the minus strand). VCF-style: chr15-31027016-G-C. GRCh37 (hg19) VCF-style: chr15-31319219-G-C.
Other names: c.3446C>G, p.Pro1149Arg (NM_001252020.2); c.3329C>G, p.Pro1110Arg (NM_002420.6); c.3329C>G (NM_002420.4); short protein forms P1132R, P1110R, P1149R.
Identifiers: ClinVar variation 1467053 (VCV001467053.7), dbSNP rs752745878, ClinGen allele CA7451895.
Genomic context (GRCh38, chr15:31,027,016, plus strand): 5'-TTCCTGCAGCGGCCGCTGAGACGCATAATGATGATGTAGATGTGGCTTAAAATGATCATC[G>C]GTGGGGGCAGGACTGGCCTGTCATGAAATGTCATAATCAGCTGATATCGCTGGAACTTCC-3'
Protein context (NP_001238953.1, residues 1122-1142): TFHDRPVLPP[Pro1132Arg]MIILSHIYII

ClinVar aggregate classification (germline): Uncertain significance. Review status: criteria provided, multiple submitters, no conflicts (2 of 4 stars). 2 submissions from 2 submitters: Uncertain significance (2). Last evaluated 2022-05-27.

Conditions:
Inborn genetic diseases. Identifiers: MedGen C0950123, MeSH D030342.

Allele frequency attached by ClinVar (database versions not stated): TOPMed below 0.00001; gnomAD 0.00001.
gnomAD v4.1: 15 of 1,614,030 alleles (0.00093%); highest among the groups gnomAD compares: Non-Finnish European, 0.001%; no homozygotes.

Submissions (2):

Ambry Genetics
Classification: Uncertain significance for Inborn genetic diseases. Last evaluated: 2022-05-27. Review status: criteria provided, single submitter. Criteria: Ambry Variant Classification Scheme 2023. Collection method: clinical testing. Allele origin: germline.

Labcorp Genetics (formerly Invitae), Labcorp
Classification: Uncertain significance. Last evaluated: 2021-12-03. Review status: criteria provided, single submitter. Criteria: Invitae Variant Classification Sherloc (09022015). Collection method: clinical testing. Allele origin: germline.
Comment: Algorithms developed to predict the effect of missense changes on protein structure and function (SIFT, PolyPhen-2, Align-GVGD) all suggest that this variant is likely to be disruptive. In summary, the available evidence is currently insufficient to determine the role of this variant in disease. Therefore, it has been classified as a Variant of Uncertain Significance. This variant has not been reported in the literature in individuals affected with TRPM1-related conditions. This variant is present in population databases (rs752745878, gnomAD 0.004%). This sequence change replaces proline, which is neutral and non-polar, with arginine, which is basic and polar, at codon 1110 of the TRPM1 protein (p.Pro1110Arg).